The following is an entry in ClinVar:

NM_139027.6(ADAMTS13):c.449C>A (p.Ser150Tyr)

Gene: ADAMTS13 (ADAM metallopeptidase with thrombospondin type 1 motif 13; plus strand). Cytogenetic location: 9q34.2.
Variant type: single nucleotide variant.
Coding change: c.449C>A on transcript NM_139027.6 (MANE Select); coding-DNA position 449, C replaced by A.
Protein change: p.Ser150Tyr; replaces serine 150 with tyrosine.
Molecular consequence: missense variant. On other transcripts: non-coding transcript variant (1).
Genome position (GRCh38, 1-based): chr9:133,425,972, C>A. VCF-style: chr9-133425972-C-A. GRCh37 (hg19) VCF-style: chr9-136291092-C-A.
Other names: c.449C>A, p.Ser150Tyr (NM_139025.5, NM_139026.6); short protein forms S150Y.
Identifiers: ClinVar variation 3256650 (VCV003256650.1).

ClinVar aggregate classification (germline): Uncertain significance (1 of 4 stars; one submission).

Conditions:
Upshaw-Schulman syndrome (TTP). Also called: THROMBOTIC THROMBOCYTOPENIC PURPURA, HEREDITARY; Congenital thrombotic thrombocytopenic purpura. Identifiers: Orphanet 93583, MedGen C1268935, MONDO:0010122, OMIM 274150.

Submission:

MVZ Medizinische Genetik Mainz
Classification: Uncertain significance for Upshaw-Schulman syndrome. Last evaluated: 2024-03-27. Review status: criteria provided, single submitter. Criteria: UK Practice Guidelines For Variant Classification V4 01 2020. Collection method: clinical testing. Allele origin: germline. Inheritance: Autosomal recessive inheritance. Affected: yes. Observed: 1 variant allele.
Comment: ACMG Criteria: PM2_SUP,PM3_SUP,PM5_SUP,PP4